The following is an entry in ClinVar:

NM_015047.3(EMC1):c.2286T>G (p.Ile762Met)

Genes: EMC1 (ER membrane protein complex subunit 1; minus strand), EMC1-AS1 (EMC1 antisense RNA 1; plus strand). Cytogenetic location: 1p36.13.
Variant type: single nucleotide variant.
Coding change: c.2286T>G on transcript NM_015047.3 (MANE Select); coding-DNA position 2286, T replaced by G.
Protein change: p.Ile762Met; replaces isoleucine 762 with methionine.
Molecular consequence: missense variant.
Genome position (GRCh38, 1-based): chr1:19,223,486, A>C on the plus strand (T>G on the coding strand, the complement: EMC1 is on the minus strand). VCF-style: chr1-19223486-A-C. GRCh37 (hg19) VCF-style: chr1-19549980-A-C.
Other names: c.2286T>G (NM_015047.2); c.2283T>G, p.Ile761Met (NM_001271427.2, NM_001271428.2); c.2220T>G, p.Ile740Met (NM_001271429.2); c.2295T>G, p.Ile765Met (NM_001375820.1); c.2292T>G, p.Ile764Met (NM_001375821.1); short protein forms I762M, I765M, I764M, I740M, I761M.
Identifiers: ClinVar variation 1493605 (VCV001493605.8), dbSNP rs376929368, ClinGen allele CA652330.

ClinVar aggregate classification (germline): Uncertain significance. Review status: criteria provided, multiple submitters, no conflicts (2 of 4 stars). 3 submissions from 3 submitters: Uncertain significance (3). Last evaluated 2025-03-30.

Allele frequency attached by ClinVar (database versions not stated): gnomAD exomes 0.00003 and 0.00010; gnomAD 0.00010; ExAC 0.00012; TOPMed 0.00014; ESP Exome Variant Server 0.00015; 1000 Genomes Project 30x 0.00016; 1000 Genomes Project 0.00020.
gnomAD v4.1: 58 of 1,614,152 alleles (0.0036%); highest among the groups gnomAD compares: South Asian, 0.036%; 1 homozygote.

Submissions (3):

Labcorp Genetics (formerly Invitae), Labcorp
Classification: Uncertain significance. Last evaluated: 2025-03-30. Review status: criteria provided, single submitter. Criteria: Invitae Variant Classification Sherloc (09022015). Collection method: clinical testing. Allele origin: germline.
Comment: This sequence change replaces isoleucine, which is neutral and non-polar, with methionine, which is neutral and non-polar, at codon 762 of the EMC1 protein (p.Ile762Met). This variant is present in population databases (rs376929368, gnomAD 0.06%), including at least one homozygous and/or hemizygous individual. This variant has not been reported in the literature in individuals affected with EMC1-related conditions. ClinVar contains an entry for this variant (Variation ID: 1493605). Invitae Evidence Modeling of protein sequence and biophysical properties (such as structural, functional, and spatial information, amino acid conservation, physicochemical variation, residue mobility, and thermodynamic stability) has been performed for this missense variant. However, the output from this modeling did not meet the statistical confidence thresholds required to predict the impact of this variant on EMC1 protein function. In summary, the available evidence is currently insufficient to determine the role of this variant in disease. Therefore, it has been classified as a Variant of Uncertain Significance.

GeneDx
Classification: Uncertain significance. Last evaluated: 2022-12-07. Review status: criteria provided, single submitter. Criteria: GeneDx Variant Classification Process June 2021. Collection method: clinical testing. Allele origin: germline. Affected: yes.
Comment: In silico analysis supports that this missense variant does not alter protein structure/function; Has not been previously published as pathogenic or benign to our knowledge

Blueprint Genetics
Classification: Uncertain significance. Last evaluated: 2019-09-29. Review status: criteria provided, single submitter. Criteria: ACMG Guidelines, 2015. Collection method: clinical testing. Allele origin: germline.